The following is an entry in ClinVar:

ClinVar aggregate classification (germline): Conflicting classifications of pathogenicity. Review status: criteria provided, conflicting classifications (1 of 4 stars). 4 submissions from 4 submitters: Uncertain significance (2); Likely benign (1). 1 of the submissions does not count toward it. Last evaluated 2024-11-11.

Conditions:
P3H2-related disorder. Also called: P3H2-related condition.

Allele frequency attached by ClinVar (database versions not stated): 1000 Genomes Project 0.00020; 1000 Genomes Project 30x 0.00031; TOPMed 0.00068; gnomAD 0.00070 and 0.00073; gnomAD exomes 0.00086 and 0.00116; ESP Exome Variant Server 0.00108; ExAC 0.00111.
gnomAD v4.1: 1,770 of 1,614,102 alleles (0.11%); highest among the groups gnomAD compares: Non-Finnish European, 0.14%; 1 homozygote.

Submissions (4):

Blueprint Genetics
Classification: Likely benign. Last evaluated: 2024-11-11. Review status: criteria provided, single submitter. Criteria: ACMG Guidelines, 2015. Collection method: clinical testing. Allele origin: germline.

CeGaT Center for Human Genetics Tuebingen
Classification: Uncertain significance. Last evaluated: 2024-02-01. Review status: criteria provided, single submitter. Criteria: CeGaT Center For Human Genetics Tuebingen Variant Classification Criteria Version 2. Collection method: clinical testing. Allele origin: germline. Affected: yes. Observed: 1 variant allele.

Labcorp Genetics (formerly Invitae), Labcorp
Classification: Uncertain significance. Last evaluated: 2022-10-19. Review status: criteria provided, single submitter. Criteria: Invitae Variant Classification Sherloc (09022015). Collection method: clinical testing. Allele origin: germline.
Comment: This sequence change replaces histidine, which is basic and polar, with tyrosine, which is neutral and polar, at codon 285 of the P3H2 protein (p.His285Tyr). This variant is present in population databases (rs56026146, gnomAD 0.2%), and has an allele count higher than expected for a pathogenic variant. This variant has not been reported in the literature in individuals affected with P3H2-related conditions. ClinVar contains an entry for this variant (Variation ID: 962042). Advanced modeling of protein sequence and biophysical properties (such as structural, functional, and spatial information, amino acid conservation, physicochemical variation, residue mobility, and thermodynamic stability) performed at Invitae indicates that this missense variant is expected to disrupt P3H2 protein function. In summary, the available evidence is currently insufficient to determine the role of this variant in disease. Therefore, it has been classified as a Variant of Uncertain Significance.

PreventionGenetics, part of Exact Sciences
Classification: Likely benign for P3H2-related condition. Last evaluated: 2022-04-29. Review status: no assertion criteria provided. Collection method: clinical testing. Allele origin: germline. Not counted in ClinVar's aggregate classification.
Comment: This variant is classified as likely benign based on ACMG/AMP sequence variant interpretation guidelines (Richards et al. 2015 PMID: 25741868, with internal and published modifications).

NM_018192.4(P3H2):c.853C>T (p.His285Tyr)

Gene: P3H2 (prolyl 3-hydroxylase 2; minus strand). Cytogenetic location: 3q28.
Variant type: single nucleotide variant.
Coding change: c.853C>T on transcript NM_018192.4 (MANE Select); coding-DNA position 853, C replaced by T.
Protein change: p.His285Tyr; replaces histidine 285 with tyrosine.
Molecular consequence: missense variant.
Genome position (GRCh38, 1-based): chr3:189,989,009, G>A on the plus strand (C>T on the coding strand, the complement: P3H2 is on the minus strand). VCF-style: chr3-189989009-G-A. GRCh37 (hg19) VCF-style: chr3-189706798-G-A.
Other names: c.310C>T, p.His104Tyr (NM_001134418.2); short protein forms H104Y, H285Y.
Identifiers: ClinVar variation 962042 (VCV000962042.27), dbSNP rs56026146, ClinGen allele CA2753194.